The following is an entry in ClinVar:

ClinVar aggregate classification (germline): Uncertain significance. Review status: criteria provided, single submitter (1 of 4 stars). 2 submissions from 1 submitter: Uncertain significance (2). Last evaluated 2019-09-20.

Conditions:
Juvenile myoclonic epilepsy (EJM). Also called: PETIT MAL, IMPULSIVE; JANZ SYNDROME. Identifiers: Orphanet 307, MedGen C0270853, MONDO:0009696.
Typical absence seizure. Identifiers: MedGen C5551411, HP:0011147.
Absence seizure. Also called: Absence epilepsy. Identifiers: Orphanet 1941, MedGen C0014553.
Myoclonic epilepsy, juvenile, susceptibility to, 1. Also called: Myoclonic Epilepsy, Juvenile, 1; EJM1. Identifiers: MedGen C1850778, MONDO:0020752, OMIM 254770.

Submissions (2):

Labcorp Genetics (formerly Invitae), Labcorp
Classification: Uncertain significance for EJM1; Typical absence seizures. Last evaluated: 2019-09-20. Review status: criteria provided, single submitter. Criteria: Invitae Variant Classification Sherloc (09022015). Collection method: clinical testing. Allele origin: germline.
Comment: This variant is a gross deletion of the genomic region encompassing exons 2-11 of the EFHC1 gene. The 5' boundary is likely confined to intron 1. The 3' end of this event is unknown as it extends through the termination codon beyond the assayed region for this gene and may encompass additional genes. While this deletion is not anticipated to result in nonsense mediated decay, it is expected to create a truncated protein product or disrupt mRNA translation. This variant has not been reported in the literature in individuals with EFHC1-related conditions. In summary, the available evidence is currently insufficient to determine the role of this variant in disease. Therefore, it has been classified as a Variant of Uncertain Significance.

Labcorp Genetics (formerly Invitae), Labcorp
Classification: Uncertain significance for Myoclonic epilepsy, juvenile, susceptibility to, 1; Absence seizure. Last evaluated: 2019-09-19. Review status: criteria provided, single submitter. Criteria: Invitae Variant Classification Sherloc (09022015). Collection method: clinical testing. Allele origin: germline.
Comment: In summary, the available evidence is currently insufficient to determine the role of this variant in disease. Therefore, it has been classified as a Variant of Uncertain Significance. This variant has not been reported in the literature in individuals with EFHC1-related conditions. This variant is a gross deletion of the genomic region encompassing exons 2-11 of the EFHC1 gene. The 5' boundary is likely confined to intron 1. The 3' end of this event is unknown as it extends through the termination codon beyond the assayed region for this gene and may encompass additional genes. While this deletion is not anticipated to result in nonsense mediated decay, it is expected to create a truncated protein product or disrupt mRNA translation.

NC_000006.12:g.(?_52423789)_(52492432_?)del

Gene: EFHC1 (EF-hand domain containing 1; plus strand). Cytogenetic location: 6p12.2.
Variant type: Deletion.
Identifiers: ClinVar variation 832614 (VCV000832614.5).